The following is an entry in ClinVar:

NM_001540.5(HSPB1):c.329C>A (p.Thr110Lys)

Gene: HSPB1 (heat shock protein family B (small) member 1; plus strand). Cytogenetic location: 7q11.23.
Variant type: single nucleotide variant.
Coding change: c.329C>A on transcript NM_001540.5 (MANE Select); coding-DNA position 329, C replaced by A.
Protein change: p.Thr110Lys; replaces threonine 110 with lysine.
Molecular consequence: missense variant.
Genome position (GRCh38, 1-based): chr7:76,303,041, C>A. VCF-style: chr7-76303041-C-A. GRCh37 (hg19) VCF-style: chr7-75932358-C-A.
Other names: short protein forms T110K.
Identifiers: ClinVar variation 5008424 (VCV005008424.1).

ClinVar aggregate classification (germline): Uncertain significance (1 of 4 stars; one submission).

Submission:

GeneDx
Classification: Uncertain significance. Last evaluated: 2026-03-17. Review status: criteria provided, single submitter. Criteria: GeneDx Variant Classification Process June 2021. Collection method: clinical testing. Allele origin: germline.
Comment: Not observed at significant frequency in large population cohorts (gnomAD); In silico analysis suggests that this missense variant does not alter protein structure/function; Has not been previously published as pathogenic or benign to our knowledge